The following is an entry in ClinVar:

ClinVar aggregate classification (germline): Uncertain significance. Review status: criteria provided, multiple submitters, no conflicts (2 of 4 stars). 2 submissions from 2 submitters: Uncertain significance (2). Last evaluated 2025-09-08.

Conditions:
Donnai-Barrow syndrome. Also called: DBS/FOAR SYNDROME; FACIOOCULOACOUSTICORENAL SYNDROME. Identifiers: Orphanet 2143, MedGen C1857277, MONDO:0009104, OMIM 222448.

Allele frequency attached by ClinVar (database versions not stated): gnomAD exomes 0.00001 and 0.00006; gnomAD 0.00002; ExAC 0.00004.
gnomAD v4.1: 25 of 1,613,704 alleles (0.0015%); highest among the groups gnomAD compares: Admixed American, 0.037%; no homozygotes.

Submissions (2):

Labcorp Genetics (formerly Invitae), Labcorp
Classification: Uncertain significance. Last evaluated: 2025-09-08. Review status: criteria provided, single submitter. Criteria: Invitae Variant Classification Sherloc (09022015). Collection method: clinical testing. Allele origin: germline.
Comment: This sequence change replaces threonine, which is neutral and polar, with alanine, which is neutral and non-polar, at codon 2861 of the LRP2 protein (p.Thr2861Ala). This variant is present in population databases (rs763428791, gnomAD 0.05%). This variant has not been reported in the literature in individuals affected with LRP2-related conditions. ClinVar contains an entry for this variant (Variation ID: 1361246). An algorithm developed to predict the effect of missense changes on protein structure and function outputs the following: PolyPhen-2: "Benign". The alanine amino acid residue is found in multiple mammalian species, which suggests that this missense change does not adversely affect protein function. In summary, the available evidence is currently insufficient to determine the role of this variant in disease. Therefore, it has been classified as a Variant of Uncertain Significance.

Fulgent Genetics
Classification: Uncertain significance for Donnai-Barrow syndrome. Last evaluated: 2022-01-13. Review status: criteria provided, single submitter. Criteria: ACMG Guidelines, 2015. Collection method: clinical testing. Allele origin: unknown.

NM_004525.3(LRP2):c.8581A>G (p.Thr2861Ala)

Gene: LRP2 (LDL receptor related protein 2; minus strand). Cytogenetic location: 2q31.1.
Variant type: single nucleotide variant.
Coding change: c.8581A>G on transcript NM_004525.3 (MANE Select); coding-DNA position 8581, A replaced by G.
Protein change: p.Thr2861Ala; replaces threonine 2861 with alanine.
Molecular consequence: missense variant.
Genome position (GRCh38, 1-based): chr2:169,197,028, T>C on the plus strand (A>G on the coding strand, the complement: LRP2 is on the minus strand). VCF-style: chr2-169197028-T-C. GRCh37 (hg19) VCF-style: chr2-170053538-T-C.
Other names: short protein forms T2861A.
Identifiers: ClinVar variation 1361246 (VCV001361246.5), dbSNP rs763428791, ClinGen allele CA1953806.